The following is an entry in ClinVar:

NM_000334.4(SCN4A):c.2486T>C (p.Ile829Thr)

Genes: SCN4A (sodium voltage-gated channel alpha subunit 4; minus strand), GH-LCR (growth hormone locus control region; plus strand). Cytogenetic location: 17q23.3.
Variant type: single nucleotide variant.
Coding change: c.2486T>C on transcript NM_000334.4 (MANE Select); coding-DNA position 2486, T replaced by C.
Protein change: p.Ile829Thr; replaces isoleucine 829 with threonine.
Molecular consequence: missense variant.
Genome position (GRCh38, 1-based): chr17:63,951,791, A>G on the plus strand (T>C on the coding strand, the complement: SCN4A is on the minus strand). VCF-style: chr17-63951791-A-G. GRCh37 (hg19) VCF-style: chr17-62029151-A-G.
Other names: short protein forms I829T.
Identifiers: ClinVar variation 2006052 (VCV002006052.4), dbSNP rs766889749, ClinGen allele CA8709570.
Genomic context (GRCh38, chr17:63,951,791, plus strand): 5'-AGGATCTTGCCATGCAGCAGCCCCAGGAGGAAGGCCTTGGCAAAGCCGATGCCCAACTTG[A>G]TGCGCCCGATGGCAATCTGCAGGTTGTTCATCTCGCCATCCTCATCCGAGGCTGCCAGAC-3'
Protein context (NP_000325.4, residues 819-839): MNNLQIAIGR[Ile829Thr]KLGIGFAKAF

ClinVar aggregate classification (germline): Uncertain significance (1 of 4 stars; one submission).

Conditions:
Hyperkalemic periodic paralysis. Also called: Familial hyperkalemic periodic paralysis; Gamstorp disease. Identifiers: Orphanet 682, MedGen C0238357, MONDO:0008224, OMIM 170500, HP:0007215.

Allele frequency attached by ClinVar (database versions not stated): ExAC 0.00003.

Submission:

Labcorp Genetics (formerly Invitae), Labcorp
Classification: Uncertain significance for Hyperkalemic periodic paralysis. Last evaluated: 2022-06-14. Review status: criteria provided, single submitter. Criteria: Invitae Variant Classification Sherloc (09022015). Collection method: clinical testing. Allele origin: germline.
Comment: In summary, the available evidence is currently insufficient to determine the role of this variant in disease. Therefore, it has been classified as a Variant of Uncertain Significance. Algorithms developed to predict the effect of missense changes on protein structure and function (SIFT, PolyPhen-2, Align-GVGD) all suggest that this variant is likely to be disruptive. This variant has not been reported in the literature in individuals affected with SCN4A-related conditions. The frequency data for this variant in the population databases is considered unreliable, as metrics indicate poor data quality at this position in the gnomAD database. This sequence change replaces isoleucine, which is neutral and non-polar, with threonine, which is neutral and polar, at codon 829 of the SCN4A protein (p.Ile829Thr).